The following is an entry in ClinVar:

ClinVar aggregate classification (germline): Uncertain significance (1 of 4 stars; one submission).

Allele frequency attached by ClinVar (database versions not stated): TOPMed 0.00001; gnomAD 0.00002; ExAC 0.00020; gnomAD exomes 0.00020.
gnomAD v4.1: 174 of 1,594,262 alleles (0.011%); highest among the groups gnomAD compares: South Asian, 0.18%; 3 homozygotes.

Submission:

Labcorp Genetics (formerly Invitae), Labcorp
Classification: Uncertain significance. Last evaluated: 2022-08-09. Review status: criteria provided, single submitter. Criteria: Invitae Variant Classification Sherloc (09022015). Collection method: clinical testing. Allele origin: germline.
Comment: In summary, the available evidence is currently insufficient to determine the role of this variant in disease. Therefore, it has been classified as a Variant of Uncertain Significance. Variants that disrupt the consensus splice site are a relatively common cause of aberrant splicing (PMID: 17576681, 9536098). Algorithms developed to predict the effect of sequence changes on RNA splicing suggest that this variant is not likely to affect RNA splicing. ClinVar contains an entry for this variant (Variation ID: 1363656). This variant has not been reported in the literature in individuals affected with C5-related conditions. This variant is present in population databases (rs568012353, gnomAD 0.2%). This sequence change falls in intron 15 of the C5 gene. It does not directly change the encoded amino acid sequence of the C5 protein. It affects a nucleotide within the consensus splice site.

Literature cited by the submitters: PubMed 17576681; PubMed 9536098.

NM_001735.3(C5):c.1997-3C>A

Gene: C5 (complement C5; minus strand). Cytogenetic location: 9q33.2.
Variant type: single nucleotide variant.
Coding change: c.1997-3C>A on transcript NM_001735.3 (MANE Select); 3 bases into the intron before coding-DNA position 1997, C replaced by A.
Molecular consequence: intron variant.
Genome position (GRCh38, 1-based): chr9:121,015,264, G>T on the plus strand (C>A on the coding strand, the complement: C5 is on the minus strand). VCF-style: chr9-121015264-G-T. GRCh37 (hg19) VCF-style: chr9-123777542-G-T.
Other names: c.2015-3C>A (NM_001317163.2); c.1997-3C>A (NM_001317164.2).
Identifiers: ClinVar variation 1363656 (VCV001363656.4), dbSNP rs568012353, ClinGen allele CA5217904.